The following is an entry in ClinVar:

NM_000088.4(COL1A1):c.3207+6T>A

Gene: COL1A1 (collagen type I alpha 1 chain; minus strand). Cytogenetic location: 17q21.33.
Variant type: single nucleotide variant.
Coding change: c.3207+6T>A on transcript NM_000088.4 (MANE Select); 6 bases into the intron after coding-DNA position 3207, T replaced by A.
Molecular consequence: intron variant.
Genome position (GRCh38, 1-based): chr17:50,188,524, A>T on the plus strand (T>A on the coding strand, the complement: COL1A1 is on the minus strand). VCF-style: chr17-50188524-A-T. GRCh37 (hg19) VCF-style: chr17-48265885-A-T.
Identifiers: ClinVar variation 3724001 (VCV003724001.2).

ClinVar aggregate classification (germline): Uncertain significance (1 of 4 stars; one submission).

Conditions:
Osteogenesis imperfecta type I (OI1). Also called: OI, TYPE I; OSTEOGENESIS IMPERFECTA TARDA; OSTEOGENESIS IMPERFECTA WITH BLUE SCLERAE; Osteogenesis imperfecta type 1; Lobstein's Disease; Lobstein disease. Identifiers: Orphanet 216796, Orphanet 666, MedGen C0023931, MONDO:0008146, OMIM 166200. Disease mechanism: loss of function.

Submission:

Labcorp Genetics (formerly Invitae), Labcorp
Classification: Uncertain significance for Osteogenesis imperfecta type I. Last evaluated: 2024-10-29. Review status: criteria provided, single submitter. Criteria: Invitae Variant Classification Sherloc (09022015). Collection method: clinical testing. Allele origin: germline.
Comment: This sequence change falls in intron 43 of the COL1A1 gene. It does not directly change the encoded amino acid sequence of the COL1A1 protein. It affects a nucleotide within the consensus splice site. This variant is not present in population databases (gnomAD no frequency). This variant has not been reported in the literature in individuals affected with COL1A1-related conditions. Variants that disrupt the consensus splice site are a relatively common cause of aberrant splicing (PMID: 17576681, 9536098). Algorithms developed to predict the effect of sequence changes on RNA splicing suggest that this variant may disrupt the consensus splice site. In summary, the available evidence is currently insufficient to determine the role of this variant in disease. Therefore, it has been classified as a Variant of Uncertain Significance.

Literature cited by the submitters: PubMed 17576681; PubMed 9536098.